The following is an entry in ClinVar:

ClinVar aggregate classification (germline): Likely benign (1 of 4 stars; one submission).

Conditions:
Leigh syndrome (NULS). Also called: Leigh's necrotizing encephalopathy; Leigh's disease; Leigh's syndrome; LEIGH SYNDROME, NUCLEAR; Leigh Syndrome (mtDNA deletion); Leigh Disease. Identifiers: Orphanet 506, MedGen C2931891, MONDO:0009723, OMIM 256000.

Submission:

Wong Mito Lab, Molecular and Human Genetics, Baylor College of Medicine
Classification: Likely benign for Leigh syndrome. Last evaluated: 2019-10-17. Review status: criteria provided, single submitter. Criteria: Modified ACMG Guidelines (Unpublished). Collection method: clinical testing. Allele origin: germline.
Comment: The NC_012920.1:m.14062A>G (YP_003024036.1:p.Ile576Val) variant in MTND5 gene is interpretated to be a Likely Benign variant based on the modified ACMG guidelines (unpublished). This variant meets the following evidence codes: BS1, BP4

NC_012920.1(MT-ND5):m.14062A>G

Gene: MT-ND5 (mitochondrially encoded NADH dehydrogenase 5; plus strand).
Variant type: single nucleotide variant.
Genome position: chrM-14062-A-G.
Identifiers: ClinVar variation 693662 (VCV000693662.1), dbSNP rs1603224506, ClinGen allele CA414820733.
Genomic context (GRCh38, chrMT:14,062, plus strand): 5'-ACCTGACTAGAAAAGCTATTACCTAAAACAATTTCACAGCACCAAATCTCCACCTCCATC[A>G]TCACCTCAACCCAAAAAGGCATAATTAAACTTTACTTCCTCTCTTTCTTCTTCCCACTCA-3'